The following is an entry in ClinVar:

ClinVar aggregate classification (germline): Uncertain significance (1 of 4 stars; one submission).

Allele frequency attached by ClinVar (database versions not stated): gnomAD exomes 0.00007.
gnomAD v4.1: 82 of 985,204 alleles (0.0083%); highest among the groups gnomAD compares: Non-Finnish European, 0.009%; no homozygotes.

Submission:

CeGaT Center for Human Genetics Tuebingen
Classification: Uncertain significance. Last evaluated: 2023-07-01. Review status: criteria provided, single submitter. Criteria: CeGaT Center For Human Genetics Tuebingen Variant Classification Criteria Version 2. Collection method: clinical testing. Allele origin: germline. Affected: yes. Observed: 1 variant allele.
Comment: IQSEC1: PM2

NM_001134382.3(IQSEC1):c.23+25508G>A

Gene: IQSEC1 (IQ motif and Sec7 domain ArfGEF 1; minus strand). Cytogenetic location: 3p25.2.
Variant type: single nucleotide variant.
Coding change: c.23+25508G>A on transcript NM_001134382.3 (MANE Select); 25508 bases into the intron after coding-DNA position 23, G replaced by A.
Molecular consequence: intron variant. On other transcripts: missense variant (1).
Genome position (GRCh38, 1-based): chr3:13,047,484, C>T on the plus strand (G>A on the coding strand, the complement: IQSEC1 is on the minus strand). VCF-style: chr3-13047484-C-T. GRCh37 (hg19) VCF-style: chr3-13088984-C-T.
Other names: c.341G>A, p.Arg114His (NM_001376938.2); short protein forms R114H.
Identifiers: ClinVar variation 2653563 (VCV002653563.24), dbSNP rs754641878, ClinGen allele CA70214685.
Genomic context (GRCh38, chr3:13,047,484, plus strand): 5'-AGTGAGGACCTAAGGAGATCCTGGGGCAGGCTGGGGTGGACGGCAAGACAGTACCTGTAG[C>T]GGTCAGTGGAGAGGCTGCTTCCGGTGTCCAGGGAGCTCCTGAGGTGGCAAAAGCGAGACA-3'